The following is an entry in ClinVar:

ClinVar aggregate classification (germline): Uncertain significance (1 of 4 stars; one submission).

Conditions:
Inborn genetic diseases. Identifiers: MedGen C0950123, MeSH D030342.

Submission:

Ambry Genetics
Classification: Uncertain significance for Inborn genetic diseases. Last evaluated: 2025-05-31. Review status: criteria provided, single submitter. Criteria: Ambry Variant Classification Scheme 2023. Collection method: clinical testing. Allele origin: germline.
Comment: The p.L183P variant (also known as c.548T>C), located in coding exon 1 of the SH2B3 gene, results from a T to C substitution at nucleotide position 548. The leucine at codon 183 is replaced by proline, an amino acid with similar properties. This amino acid position is conserved. In addition, this alteration is predicted to be tolerated by in silico analysis. Based on the available evidence, the clinical significance of this variant remains unclear.

NM_005475.3(SH2B3):c.548T>C (p.Leu183Pro)

Gene: SH2B3 (SH2B adaptor protein 3; plus strand). Cytogenetic location: 12q24.12.
Variant type: single nucleotide variant.
Coding change: c.548T>C on transcript NM_005475.3 (MANE Select); coding-DNA position 548, T replaced by C.
Protein change: p.Leu183Pro; replaces leucine 183 with proline.
Molecular consequence: missense variant.
Genome position (GRCh38, 1-based): chr12:111,418,693, T>C. VCF-style: chr12-111418693-T-C. GRCh37 (hg19) VCF-style: chr12-111856497-T-C.
Other names: short protein forms L183P.
Identifiers: ClinVar variation 3953541 (VCV003953541.1).
Genomic context (GRCh38, chr12:111,418,693, plus strand): 5'-CCGGGACCCCCGGAGAGGCTGCTGAGACCCCCGCCCGGCCTGGCCTGGCCAAGAAGTTCC[T>C]GCCCTGGAGCCTGGCCCGGGAGCCGCCACCCGAGGCGCTGAAGGAGGCGGTGCTGCGCTA-3'
Protein context (NP_005466.1, residues 173-193): PARPGLAKKF[Leu183Pro]PWSLAREPPP